The following is an entry in ClinVar:

ClinVar aggregate classification (germline): Pathogenic/Likely pathogenic. Review status: criteria provided, multiple submitters, no conflicts (2 of 4 stars). 3 submissions from 3 submitters: Pathogenic (2); Likely pathogenic (1). Last evaluated 2026-09-11.

Conditions:
Encephalopathy, lethal, due to defective mitochondrial peroxisomal fission 1. Also called: Lethal Encephalopathy Due To Defective Mitochondrial Peroxisomal Fission. Identifiers: Orphanet 330050, MedGen C3280660, MONDO:0013726, OMIM 614388.
DNM1L-related disorder. Also called: DNM1L-related condition.

Submissions (3):

GeneDx
Classification: Pathogenic. Last evaluated: 2026-09-11. Review status: criteria provided, single submitter. Criteria: GeneDx Variant Classification Process June 2021. Collection method: clinical testing. Allele origin: germline.
Comment: Not observed at significant frequency in large population cohorts (gnomAD); In silico analysis supports that this missense variant has a deleterious effect on protein structure/function; This variant is associated with the following publications: (PMID: 35479329, 34307245, 35032046, 39063023, 40015167)

3billion
Classification: Pathogenic for Encephalopathy, lethal, due to defective mitochondrial peroxisomal fission 1. Last evaluated: 2024-03-10. Review status: criteria provided, single submitter. Criteria: ACMG Guidelines, 2015. Collection method: clinical testing. Allele origin: germline. Affected: yes.
Comment: The variant is not observed in the gnomAD v2.1.1 dataset. Predicted Consequence/Location: Missense changes are a common disease-causing mechanism. In silico tool predictions suggest damaging effect of the variant on gene or gene product [REVEL: 0.90 (>=0.6, sensitivity 0.68 and specificity 0.92); 3Cnet: 0.61 (>=0.6, sensitivity 0.72 and precision 0.9)]. Same nucleotide change resulting in same amino acid change has been previously reported as pathogenic/likely pathogenic with strong evidence (ClinVar ID: VCV002136102 /PMID: 34307245). The variant has been previously reported as de novo in a similarly affected individual (PMID: 34307245). Different missense changes at the same codon (p.Ser39Arg, p.Ser39Gly) have been reported as pathogenic/likely pathogenic with strong evidence (ClinVar ID: VCV000974819, VCV002500693 /PMID: 33387674). Therefore, this variant is classified as Pathogenic according to the recommendation of ACMG/AMP guideline.

Rady Children's Institute for Genomic Medicine, Rady Children's Hospital San Diego
Classification: Likely pathogenic for DNM1L-related disorders. Review status: criteria provided, single submitter. Criteria: ACMG Guidelines, 2015. Collection method: clinical testing. Allele origin: germline. Affected: yes.
Comment: This variant has not been previously reported or functionally characterized in the literature to our knowledge. A different amino acid change at the same codon (p.Ser39Gly) has been classified as a Pathogenic de novo change in ClinVar for Encephalopathy due to defective mitochondrial and peroxisomal fission-1 (EMPF1) (Variation ID: 974819). The c.116G>A (p.Ser39Asn) variant is absent from the gnomAD population database and thus is presumed to be rare. The c.116G>A (p.Ser39Asn) variant affects a highly conserved amino acid and is predicted by multiple in silico tools to have a deleterious effect on protein function. Based on the available evidence, the c.116G>A (p.Ser39Asn) variant is classified as Likely Pathogenic.

Literature cited by the submitters: PubMed 33387674 (cited by 3billion); PubMed 34307245 (cited by 3billion).

NM_012062.5(DNM1L):c.116G>A (p.Ser39Asn)

Gene: DNM1L (dynamin 1L; plus strand). Cytogenetic location: 12p11.21.
Variant type: single nucleotide variant.
Coding change: c.116G>A on transcript NM_012062.5 (MANE Select); coding-DNA position 116, G replaced by A.
Protein change: p.Ser39Asn; replaces serine 39 with asparagine.
Molecular consequence: missense variant. On other transcripts: 5 prime UTR variant (1).
Genome position (GRCh38, 1-based): chr12:32,701,428, G>A. VCF-style: chr12-32701428-G-A. GRCh37 (hg19) VCF-style: chr12-32854362-G-A.
Other names: c.116G>A (NM_012062.4); c.116G>A, p.Ser39Asn (NM_001278463.2, NM_001278464.2, NM_001278465.2 and 3 more transcripts); c.-90G>A (NM_001278466.2); short protein forms S39N.
Identifiers: ClinVar variation 2136102 (VCV002136102.4), dbSNP rs2540980636, ClinGen allele CA384362943.